The following is an entry in ClinVar:

ClinVar aggregate classification (germline): Uncertain significance (1 of 4 stars; one submission).

Allele frequency attached by ClinVar (database versions not stated): gnomAD exomes below 0.00001 and 0.00001; TOPMed 0.00002.
gnomAD v4.1: 1 of 1,614,016 alleles (0.000062%); highest among the groups gnomAD compares: Admixed American, 0.0017%; no homozygotes.

Submission:

Labcorp Genetics (formerly Invitae), Labcorp
Classification: Uncertain significance. Last evaluated: 2022-06-20. Review status: criteria provided, single submitter. Criteria: Invitae Variant Classification Sherloc (09022015). Collection method: clinical testing. Allele origin: germline.
Comment: This variant has not been reported in the literature in individuals affected with CNGB3-related conditions. In summary, the available evidence is currently insufficient to determine the role of this variant in disease. Therefore, it has been classified as a Variant of Uncertain Significance. Advanced modeling of protein sequence and biophysical properties (such as structural, functional, and spatial information, amino acid conservation, physicochemical variation, residue mobility, and thermodynamic stability) performed at Invitae indicates that this missense variant is not expected to disrupt CNGB3 protein function. This variant is present in population databases (no rsID available, gnomAD 0.006%). This sequence change replaces glutamine, which is neutral and polar, with arginine, which is basic and polar, at codon 36 of the CNGB3 protein (p.Gln36Arg).

NM_019098.5(CNGB3):c.107A>G (p.Gln36Arg)

Gene: CNGB3 (cyclic nucleotide gated channel subunit beta 3; minus strand). Cytogenetic location: 8q21.3.
Variant type: single nucleotide variant.
Coding change: c.107A>G on transcript NM_019098.5 (MANE Select); coding-DNA position 107, A replaced by G.
Protein change: p.Gln36Arg; replaces glutamine 36 with arginine.
Molecular consequence: missense variant.
Genome position (GRCh38, 1-based): chr8:86,743,521, T>C on the plus strand (A>G on the coding strand, the complement: CNGB3 is on the minus strand). VCF-style: chr8-86743521-T-C. GRCh37 (hg19) VCF-style: chr8-87755749-T-C.
Other names: short protein forms Q36R.
Identifiers: ClinVar variation 1472058 (VCV001472058.5), dbSNP rs1207204654, ClinGen allele CA371452711.